The following is an entry in ClinVar:

NM_022835.3(PLEKHG2):c.883-5G>A

Gene: PLEKHG2 (pleckstrin homology and RhoGEF domain containing G2; plus strand). Cytogenetic location: 19q13.2.
Variant type: single nucleotide variant.
Coding change: c.883-5G>A on transcript NM_022835.3 (MANE Select); 5 bases into the intron before coding-DNA position 883, G replaced by A.
Molecular consequence: intron variant.
Genome position (GRCh38, 1-based): chr19:39,417,900, G>A. VCF-style: chr19-39417900-G-A. GRCh37 (hg19) VCF-style: chr19-39908540-G-A.
Other names: c.706-5G>A (NM_001351693.2); c.883-5G>A (NM_001351694.2).
Identifiers: ClinVar variation 2183308 (VCV002183308.4), dbSNP rs770695734, ClinGen allele CA9429285.

ClinVar aggregate classification (germline): Uncertain significance (1 of 4 stars; one submission).

Allele frequency attached by ClinVar (database versions not stated): gnomAD 0.00001; TOPMed 0.00002.
gnomAD v4.1: 16 of 1,537,886 alleles (0.001%); highest among the groups gnomAD compares: South Asian, 0.0012%; no homozygotes.

Submission:

Labcorp Genetics (formerly Invitae), Labcorp
Classification: Uncertain significance. Last evaluated: 2022-06-15. Review status: criteria provided, single submitter. Criteria: Invitae Variant Classification Sherloc (09022015). Collection method: clinical testing. Allele origin: germline.
Comment: Algorithms developed to predict the effect of sequence changes on RNA splicing suggest that this variant may create or strengthen a splice site. In summary, the available evidence is currently insufficient to determine the role of this variant in disease. Therefore, it has been classified as a Variant of Uncertain Significance. This variant has not been reported in the literature in individuals affected with PLEKHG2-related conditions. The frequency data for this variant in the population databases is considered unreliable, as metrics indicate poor data quality at this position in the gnomAD database. This sequence change falls in intron 8 of the PLEKHG2 gene. It does not directly change the encoded amino acid sequence of the PLEKHG2 protein.